The following is an entry in ClinVar:

ClinVar aggregate classification (germline): Uncertain significance (1 of 4 stars; one submission).

Allele frequency attached by ClinVar (database versions not stated): gnomAD exomes 0.00001; ExAC 0.00002; gnomAD 0.00002; TOPMed 0.00002.
gnomAD v4.1: 21 of 1,613,246 alleles (0.0013%); highest among the groups gnomAD compares: Middle Eastern, 0.016%; no homozygotes.

Submission:

Labcorp Genetics (formerly Invitae), Labcorp
Classification: Uncertain significance. Last evaluated: 2023-03-13. Review status: criteria provided, single submitter. Criteria: Invitae Variant Classification Sherloc (09022015). Collection method: clinical testing. Allele origin: germline.
Comment: In summary, the available evidence is currently insufficient to determine the role of this variant in disease. Therefore, it has been classified as a Variant of Uncertain Significance. An algorithm developed to predict the effect of missense changes on protein structure and function (PolyPhen-2) suggests that this variant is likely to be disruptive. This variant has not been reported in the literature in individuals affected with TBC1D32-related conditions. This variant is present in population databases (rs752518415, gnomAD 0.007%). This sequence change replaces arginine, which is basic and polar, with cysteine, which is neutral and slightly polar, at codon 308 of the TBC1D32 protein (p.Arg308Cys).

NM_152730.6(TBC1D32):c.922C>T (p.Arg308Cys)

Gene: TBC1D32 (TBC1 domain family member 32; minus strand). Cytogenetic location: 6q22.31.
Variant type: single nucleotide variant.
Coding change: c.922C>T on transcript NM_152730.6 (MANE Select); coding-DNA position 922, C replaced by T.
Protein change: p.Arg308Cys; replaces arginine 308 with cysteine.
Molecular consequence: missense variant. On other transcripts: non-coding transcript variant (1).
Genome position (GRCh38, 1-based): chr6:121,304,378, G>A on the plus strand (C>T on the coding strand, the complement: TBC1D32 is on the minus strand). VCF-style: chr6-121304378-G-A. GRCh37 (hg19) VCF-style: chr6-121625524-G-A.
Other names: c.922C>T, p.Arg308Cys (NM_001367759.1, NM_001367760.1); short protein forms R308C.
Identifiers: ClinVar variation 2973334 (VCV002973334.3), dbSNP rs752518415, ClinGen allele CA3981329.
Genomic context (GRCh38, chr6:121,304,378, plus strand): 5'-GTAACACCGCTAGGTTTTATGCTGGCATACATTGGGAGGGGACTTACTTCTCTGGATGAC[G>A]AATCCAGAAAGATGGAGCTTCTTTCTGATATTCATTTAGAAGACGAACCTACAAAGCAGT-3'
Protein context (NP_689943.4, residues 298-318): YQKEAPSFWI[Arg308Cys]HPEKYMEEIV